The following is an entry in ClinVar:

NM_022336.4(EDAR):c.1218C>G (p.Tyr406Ter)

Genes: EDAR (ectodysplasin A receptor; minus strand), RANBP2 (RAN binding protein 2; plus strand). Cytogenetic location: 2q13.
Variant type: single nucleotide variant.
Coding change: c.1218C>G on transcript NM_022336.4 (MANE Select); coding-DNA position 1218, C replaced by G.
Protein change: p.Tyr406Ter; replaces tyrosine 406 with a stop codon.
Molecular consequence: nonsense.
Genome position (GRCh38, 1-based): chr2:108,897,036, G>C on the plus strand (C>G on the coding strand, the complement: EDAR is on the minus strand). VCF-style: chr2-108897036-G-C. GRCh37 (hg19) VCF-style: chr2-109513492-G-C.
Other names: short protein forms Y406*.
Identifiers: ClinVar variation 2952572 (VCV002952572.3), dbSNP rs2470612948, ClinGen allele CA348047933.

ClinVar aggregate classification (germline): Pathogenic (1 of 4 stars; one submission).

Conditions:
Ectodermal dysplasia 10A, hypohidrotic/hair/nail type, autosomal dominant (ECTD10A). Also called: Ectodermal Dysplasia 3, Anhidrotic. Identifiers: Orphanet 1810, Orphanet 238468, MedGen C3888065, MONDO:0007509, OMIM 129490.
Autosomal recessive hypohidrotic ectodermal dysplasia syndrome. Also called: Autosomal recessive hypohidrotic ectodermal dysplasia. Identifiers: Orphanet 248, MedGen C0406702, MONDO:0016619.

Submission:

Labcorp Genetics (formerly Invitae), Labcorp
Classification: Pathogenic for Ectodermal dysplasia 10A, hypohidrotic/hair/nail type, autosomal dominant; Autosomal recessive hypohidrotic ectodermal dysplasia syndrome. Last evaluated: 2023-10-05. Review status: criteria provided, single submitter. Criteria: Invitae Variant Classification Sherloc (09022015). Collection method: clinical testing. Allele origin: germline.
Comment: This sequence change creates a premature translational stop signal (p.Tyr406*) in the EDAR gene. While this is not anticipated to result in nonsense mediated decay, it is expected to disrupt the last 43 amino acid(s) of the EDAR protein. This variant is not present in population databases (gnomAD no frequency). This variant has not been reported in the literature in individuals affected with EDAR-related conditions. This variant disrupts a region of the EDAR protein in which other variant(s) (p.Glu433*) have been determined to be pathogenic (Invitae). This suggests that this is a clinically significant region of the protein, and that variants that disrupt it are likely to be disease-causing. For these reasons, this variant has been classified as Pathogenic.